The following is an entry in ClinVar:

ClinVar aggregate classification (germline): Uncertain significance (1 of 4 stars; one submission).

Allele frequency attached by ClinVar (database versions not stated): gnomAD 0.00001 and 0.00002; TOPMed 0.00001.

Submission:

Labcorp Genetics (formerly Invitae), Labcorp
Classification: Uncertain significance. Last evaluated: 2022-10-13. Review status: criteria provided, single submitter. Criteria: Invitae Variant Classification Sherloc (09022015). Collection method: clinical testing. Allele origin: germline.
Comment: In summary, the available evidence is currently insufficient to determine the role of this variant in disease. Therefore, it has been classified as a Variant of Uncertain Significance. Algorithms developed to predict the effect of missense changes on protein structure and function output the following: SIFT: "Deleterious"; PolyPhen-2: "Not Available"; Align-GVGD: "Class C0". The alanine amino acid residue is found in multiple mammalian species, which suggests that this missense change does not adversely affect protein function. ClinVar contains an entry for this variant (Variation ID: 1514800). This variant has not been reported in the literature in individuals affected with PDZD7-related conditions. This variant is present in population databases (no rsID available, gnomAD 0.006%). This sequence change replaces aspartic acid, which is acidic and polar, with alanine, which is neutral and non-polar, at codon 960 of the PDZD7 protein (p.Asp960Ala).

NM_001195263.2(PDZD7):c.2879A>C (p.Asp960Ala)

Gene: PDZD7 (PDZ domain containing 7; minus strand). Cytogenetic location: 10q24.31.
Variant type: single nucleotide variant.
Coding change: c.2879A>C on transcript NM_001195263.2 (MANE Select); coding-DNA position 2879, A replaced by C.
Protein change: p.Asp960Ala; replaces aspartic acid 960 with alanine.
Molecular consequence: missense variant.
Genome position (GRCh38, 1-based): chr10:101,008,690, T>G on the plus strand (A>C on the coding strand, the complement: PDZD7 is on the minus strand). VCF-style: chr10-101008690-T-G. GRCh37 (hg19) VCF-style: chr10-102768447-T-G.
Other names: short protein forms D960A.
Identifiers: ClinVar variation 1514800 (VCV001514800.8), dbSNP rs892568577, ClinGen allele CA212977289.